The following is an entry in ClinVar:

ClinVar aggregate classification (germline): Uncertain significance (1 of 4 stars; one submission).

Conditions:
SEMA3B-related disorder. Also called: SEMA3B-related condition.

Submission:

PreventionGenetics, part of Exact Sciences
Classification: Uncertain significance for SEMA3B-related condition. Last evaluated: 2024-12-31. Review status: criteria provided, single submitter. Criteria: ACMG Guidelines, 2015. Collection method: clinical testing. Allele origin: germline.
Comment: The SEMA3B c.1844T>C variant is predicted to result in the amino acid substitution p.Val615Ala. To our knowledge, this variant has not been reported in the literature or in a large population database (gnomAD), indicating this variant is rare. At this time, the clinical significance of this variant is uncertain due to the absence of conclusive functional and genetic evidence.

NM_001290060.2(SEMA3B):c.1829T>C (p.Val610Ala)

Gene: SEMA3B (semaphorin 3B; plus strand). Cytogenetic location: 3p21.31.
Variant type: single nucleotide variant.
Coding change: c.1829T>C on transcript NM_001290060.2 (MANE Select); coding-DNA position 1829, T replaced by C.
Protein change: p.Val610Ala; replaces valine 610 with alanine.
Molecular consequence: missense variant. On other transcripts: non-coding transcript variant (1).
Genome position (GRCh38, 1-based): chr3:50,275,828, T>C. VCF-style: chr3-50275828-T-C. GRCh37 (hg19) VCF-style: chr3-50313259-T-C.
Other names: c.1826T>C, p.Val609Ala (NM_001005914.3, NM_001435957.1, NM_001435958.1); c.1844T>C, p.Val615Ala (NM_001290061.1); c.800T>C, p.Val267Ala (NM_001290062.2, NM_001290063.2); c.1829T>C, p.Val610Ala (NM_001435956.1, NM_004636.4); short protein forms V267A, V609A, V610A, V615A.
Identifiers: ClinVar variation 4997921 (VCV004997921.1).
Genomic context (GRCh38, chr3:50,275,828, plus strand): 5'-TGGAGTGTGAGCCCCGCTCGCTGCAGGCGCGCGTGGAGTGGACTTTCCAGCGCGCAGGGG[T>C]GACAGCCCACACCCAGGTGAGCCTTACTCCGCCCTCCCCGCCAGGCTCCTGTCCCACCCC-3'
Protein context (NP_001276989.1, residues 600-620): RVEWTFQRAG[Val610Ala]TAHTQVLAEE